The following is an entry in ClinVar:

ClinVar aggregate classification (germline): Pathogenic (1 of 4 stars; one submission).

Conditions:
Duchenne muscular dystrophy (DMD). Also called: Duchenne Muscular Dystrophy (DMD); MUSCULAR DYSTROPHY, PSEUDOHYPERTROPHIC PROGRESSIVE, DUCHENNE TYPE. Identifiers: Orphanet 98896, MedGen C0013264, MONDO:0010679, OMIM 310200.

Submission:

Labcorp Genetics (formerly Invitae), Labcorp
Classification: Pathogenic for Duchenne muscular dystrophy. Last evaluated: 2022-05-02. Review status: criteria provided, single submitter. Criteria: Invitae Variant Classification Sherloc (09022015). Collection method: clinical testing. Allele origin: germline.
Comment: For these reasons, this variant has been classified as Pathogenic. This variant has not been reported in the literature in individuals affected with DMD-related conditions. This variant is not present in population databases (gnomAD no frequency). This sequence change creates a premature translational stop signal (p.Leu3133Trpfs*22) in the DMD gene. It is expected to result in an absent or disrupted protein product. Loss-of-function variants in DMD are known to be pathogenic (PMID: 16770791, 25007885).

Literature cited by the submitters: PubMed 16770791; PubMed 25007885.

NM_004006.3(DMD):c.9398del (p.Leu3133fs)

Gene: DMD (dystrophin; minus strand). Cytogenetic location: Xp21.2.
Variant type: Deletion.
Coding change: c.9398del on transcript NM_004006.3 (MANE Select); coding-DNA position 9398, one base deleted (T; older notation c.9398delT).
Protein change: p.Leu3133fs; shifts the reading frame from leucine 3133.
Molecular consequence: frameshift variant.
Genome position (GRCh38, 1-based): chrX:31,209,663, A deleted on the plus strand (T on the coding strand, the reverse complement: DMD is on the minus strand); the first of 2 consecutive A bases (chrX:31,209,663-31,209,664); deleting either gives the same sequence. VCF-style (leftmost placement, unchanged base first): chrX-31209662-CA-C. GRCh37 (hg19) VCF-style: chrX-31227779-CA-C.
Other names: c.9374del, p.Leu3125fs (NM_000109.4); c.9386del, p.Leu3129fs (NM_004009.3); c.9029del, p.Leu3010fs (NM_004010.3); c.5375del, p.Leu1792fs (NM_004011.4); c.5366del, p.Leu1789fs (NM_004012.4); c.2018del, p.Leu673fs (NM_004013.3, NM_004020.4, NM_004021.3 and 2 more transcripts); c.1211del, p.Leu404fs (NM_004014.3); c.194del, p.Leu65fs (NM_004015.3, NM_004016.3, NM_004017.3 and 2 more transcripts); short protein forms L1792fs, L3010fs, L3129fs, L65fs, L3125fs, L404fs, L1789fs, L3133fs.
Identifiers: ClinVar variation 1452681 (VCV001452681.6), dbSNP rs2148592682, ClinGen allele CA2573158612.